The following is an entry in ClinVar:

ClinVar aggregate classification (germline): Likely benign (1 of 4 stars; one submission).

Conditions:
PLXNA3-related disorder. Also called: PLXNA3-related condition.

Submission:

PreventionGenetics, part of Exact Sciences
Classification: Likely benign for PLXNA3-related condition. Last evaluated: 2026-06-06. Review status: criteria provided, single submitter. Criteria: ACMG Guidelines, 2015. Collection method: clinical testing. Allele origin: germline.
Comment: This variant is classified as likely benign based on ACMG/AMP sequence variant interpretation guidelines (Richards et al. 2015 PMID: 25741868, with internal and published modifications).

NM_017514.5(PLXNA3):c.4389G>A (p.Leu1463=)

Gene: PLXNA3 (plexin A3; plus strand). Cytogenetic location: Xq28.
Variant type: single nucleotide variant.
Coding change: c.4389G>A on transcript NM_017514.5 (MANE Select); coding-DNA position 4389, G replaced by A.
Protein change: p.Leu1463=; no amino-acid change (leucine 1463 retained).
Molecular consequence: synonymous variant.
Genome position (GRCh38, 1-based): chrX:154,468,924, G>A. VCF-style: chrX-154468924-G-A. GRCh37 (hg19) VCF-style: chrX-153697267-G-A.
Identifiers: ClinVar variation 4991329 (VCV004991329.1).